The following is an entry in ClinVar:

ClinVar aggregate classification (germline): Uncertain significance (1 of 4 stars; one submission).

Submission:

Labcorp Genetics (formerly Invitae), Labcorp
Classification: Uncertain significance. Last evaluated: 2025-02-28. Review status: criteria provided, single submitter. Criteria: Invitae Variant Classification Sherloc (09022015). Collection method: clinical testing. Allele origin: germline.
Comment: This sequence change replaces glycine, which is neutral and non-polar, with aspartic acid, which is acidic and polar, at codon 483 of the SETBP1 protein (p.Gly483Asp). This variant is not present in population databases (gnomAD no frequency). This variant has not been reported in the literature in individuals affected with SETBP1-related conditions. Invitae Evidence Modeling of protein sequence and biophysical properties (such as structural, functional, and spatial information, amino acid conservation, physicochemical variation, residue mobility, and thermodynamic stability) indicates that this missense variant is not expected to disrupt SETBP1 protein function with a negative predictive value of 80%. In summary, the available evidence is currently insufficient to determine the role of this variant in disease. Therefore, it has been classified as a Variant of Uncertain Significance.

NM_015559.3(SETBP1):c.1448G>A (p.Gly483Asp)

Gene: SETBP1 (SET binding protein 1; plus strand). Cytogenetic location: 18q12.3.
Variant type: single nucleotide variant.
Coding change: c.1448G>A on transcript NM_015559.3 (MANE Select); coding-DNA position 1448, G replaced by A.
Protein change: p.Gly483Asp; replaces glycine 483 with aspartic acid.
Molecular consequence: missense variant.
Genome position (GRCh38, 1-based): chr18:44,950,788, G>A. VCF-style: chr18-44950788-G-A. GRCh37 (hg19) VCF-style: chr18-42530753-G-A.
Other names: c.1448G>A, p.Gly483Asp (NM_001379141.1, NM_001379142.1, NM_001410862.1); short protein forms G483D.
Identifiers: ClinVar variation 4738991 (VCV004738991.1).